The following is an entry in ClinVar:

ClinVar aggregate classification (germline): Uncertain significance. Review status: criteria provided, multiple submitters, no conflicts (2 of 4 stars). 2 submissions from 2 submitters: Uncertain significance (2). Last evaluated 2023-08-01.

Conditions:
Intellectual developmental disorder, autosomal dominant 1. Also called: Intellectual disability, autosomal dominant 1; MBD5 Haploinsufficiency. Identifiers: Orphanet 228402, MedGen C1969562, MONDO:0007974, OMIM 156200.

Allele frequency attached by ClinVar (database versions not stated): ExAC 0.00004; gnomAD exomes 0.00003; TOPMed below 0.00001.
gnomAD v4.1: 34 of 1,613,912 alleles (0.0021%); highest among the groups gnomAD compares: South Asian, 0.011%; no homozygotes.

Submissions (2):

CeGaT Center for Human Genetics Tuebingen
Classification: Uncertain significance. Last evaluated: 2023-08-01. Review status: criteria provided, single submitter. Criteria: CeGaT Center For Human Genetics Tuebingen Variant Classification Criteria Version 2. Collection method: clinical testing. Allele origin: germline. Affected: yes. Observed: 1 variant allele.

Labcorp Genetics (formerly Invitae), Labcorp
Classification: Uncertain significance for Intellectual developmental disorder, autosomal dominant 1. Last evaluated: 2023-04-01. Review status: criteria provided, single submitter. Criteria: Invitae Variant Classification Sherloc (09022015). Collection method: clinical testing. Allele origin: germline.
Comment: In summary, the available evidence is currently insufficient to determine the role of this variant in disease. Therefore, it has been classified as a Variant of Uncertain Significance. Advanced modeling of protein sequence and biophysical properties (such as structural, functional, and spatial information, amino acid conservation, physicochemical variation, residue mobility, and thermodynamic stability) performed at Invitae indicates that this missense variant is not expected to disrupt MBD5 protein function. ClinVar contains an entry for this variant (Variation ID: 1356413). This variant has not been reported in the literature in individuals affected with MBD5-related conditions. This variant is present in population databases (rs748835022, gnomAD 0.01%). This sequence change replaces methionine, which is neutral and non-polar, with isoleucine, which is neutral and non-polar, at codon 445 of the MBD5 protein (p.Met445Ile).

NM_001378120.1(MBD5):c.1335G>C (p.Met445Ile)

Gene: MBD5 (methyl-CpG binding domain protein 5; plus strand). Cytogenetic location: 2q23.1.
Variant type: single nucleotide variant.
Coding change: c.1335G>C on transcript NM_001378120.1 (MANE Select); coding-DNA position 1335, G replaced by C.
Protein change: p.Met445Ile; replaces methionine 445 with isoleucine.
Molecular consequence: missense variant.
Genome position (GRCh38, 1-based): chr2:148,469,278, G>C. VCF-style: chr2-148469278-G-C. GRCh37 (hg19) VCF-style: chr2-149226847-G-C.
Other names: c.1335G>C, p.Met445Ile (NM_018328.5); short protein forms M445I.
Identifiers: ClinVar variation 1356413 (VCV001356413.33), dbSNP rs748835022, ClinGen allele CA1900001.
Genomic context (GRCh38, chr2:148,469,278, plus strand): 5'-AGTTCAGCATTCAGCTTCAACCTCCCTGTCCCCTTCTCCAGTGACATCCCCCGTGCACAT[G>C]ATGGGGACTGGAATTGGAAGGATTGAGGCATCGCCCCAAAGATCACGCTCATCTTCCACA-3'
Protein context (NP_001365049.1, residues 435-455): SPSPVTSPVH[Met445Ile]MGTGIGRIEA